The following is an entry in ClinVar:

NM_173354.5(SIK1):c.1843G>A (p.Ala615Thr)

Gene: SIK1 (salt inducible kinase 1; minus strand). Cytogenetic location: 21q22.3.
Variant type: single nucleotide variant.
Coding change: c.1843G>A on transcript NM_173354.5 (MANE Select); coding-DNA position 1843, G replaced by A.
Protein change: p.Ala615Thr; replaces alanine 615 with threonine.
Molecular consequence: missense variant.
Genome position (GRCh38, 1-based): chr21:43,417,676, C>T on the plus strand (G>A on the coding strand, the complement: SIK1 is on the minus strand). VCF-style: chr21-43417676-C-T. GRCh37 (hg19) VCF-style: chr21-44837556-C-T.
Other names: short protein forms A615T.
Identifiers: ClinVar variation 577708 (VCV000577708.12), dbSNP rs777106028, ClinGen allele CA321324939.

ClinVar aggregate classification (germline): Conflicting classifications of pathogenicity. Review status: criteria provided, conflicting classifications (1 of 4 stars). 3 submissions from 3 submitters: Uncertain significance (2); Likely benign (1). Last evaluated 2025-03-23.

Conditions:
Developmental and epileptic encephalopathy, 30 (DEE30). Also called: Epileptic encephalopathy, early infantile, 30. Identifiers: MedGen C4225360, MONDO:0014595, OMIM 616341.
Inborn genetic diseases. Identifiers: MedGen C0950123, MeSH D030342.

Allele frequency attached by ClinVar (database versions not stated): gnomAD exomes 0.00003; ExAC 0.00006; gnomAD 0.00012.

Submissions (3):

Labcorp Genetics (formerly Invitae), Labcorp
Classification: Uncertain significance for Developmental and epileptic encephalopathy, 30. Last evaluated: 2025-03-23. Review status: criteria provided, single submitter. Criteria: Invitae Variant Classification Sherloc (09022015). Collection method: clinical testing. Allele origin: germline.
Comment: This sequence change replaces alanine, which is neutral and non-polar, with threonine, which is neutral and polar, at codon 615 of the SIK1 protein (p.Ala615Thr). This variant is present in population databases (rs777106028, gnomAD 0.004%). This variant has not been reported in the literature in individuals affected with SIK1-related conditions. ClinVar contains an entry for this variant (Variation ID: 577708). Invitae Evidence Modeling of protein sequence and biophysical properties (such as structural, functional, and spatial information, amino acid conservation, physicochemical variation, residue mobility, and thermodynamic stability) indicates that this missense variant is not expected to disrupt SIK1 protein function with a negative predictive value of 95%. In summary, the available evidence is currently insufficient to determine the role of this variant in disease. Therefore, it has been classified as a Variant of Uncertain Significance.

Ambry Genetics
Classification: Likely benign for Inborn genetic diseases. Last evaluated: 2021-10-15. Review status: criteria provided, single submitter. Criteria: Ambry Variant Classification Scheme 2023. Collection method: clinical testing. Allele origin: germline.

Breakthrough Genomics
Classification: Uncertain significance. Review status: criteria provided, single submitter. Criteria: ACMG Guidelines, 2015. Collection method: not provided. Allele origin: germline. Inheritance: Autosomal dominant inheritance. Affected: yes.